The following is an entry in ClinVar:

NM_001243133.2(NLRP3):c.2177G>C (p.Ser726Thr)

Gene: NLRP3 (NLR family pyrin domain containing 3; plus strand). Cytogenetic location: 1q44.
Variant type: single nucleotide variant.
Coding change: c.2177G>C on transcript NM_001243133.2 (MANE Select); coding-DNA position 2177, G replaced by C.
Protein change: p.Ser726Thr; replaces serine 726 with threonine.
Molecular consequence: missense variant. On other transcripts: intron variant (2).
Genome position (GRCh38, 1-based): chr1:247,429,611, G>C. VCF-style: chr1-247429611-G-C. GRCh37 (hg19) VCF-style: chr1-247592913-G-C.
Other names: c.2177G>C, p.Ser726Thr (NM_001079821.3, NM_001127461.3); c.2183G>C, p.Ser728Thr (NM_004895.5); c.2150+4012G>C (NM_001127462.3, NM_183395.3); c.2183G>C (NM_004895.4); short protein forms S726T, S728T.
Identifiers: ClinVar variation 1515141 (VCV001515141.10), dbSNP rs200199289, ClinGen allele CA1495152.

ClinVar aggregate classification (germline): Uncertain significance. Review status: criteria provided, multiple submitters, no conflicts (2 of 4 stars). 2 submissions from 2 submitters: Uncertain significance (2). Last evaluated 2024-10-02.

Conditions:
Cryopyrin associated periodic syndrome (CAPS). Identifiers: Orphanet 208650, MedGen C2316212, MONDO:0016168.

Allele frequency attached by ClinVar (database versions not stated): gnomAD exomes 0.00001; ExAC 0.00002.
gnomAD v4.1: 13 of 1,614,184 alleles (0.00081%); highest among the groups gnomAD compares: South Asian, 0.014%; no homozygotes.

Submissions (2):

Labcorp Genetics (formerly Invitae), Labcorp
Classification: Uncertain significance for Cryopyrin associated periodic syndrome. Last evaluated: 2024-10-02. Review status: criteria provided, single submitter. Criteria: Invitae Variant Classification Sherloc (09022015). Collection method: clinical testing. Allele origin: germline.
Comment: This sequence change replaces serine, which is neutral and polar, with threonine, which is neutral and polar, at codon 728 of the NLRP3 protein (p.Ser728Thr). This variant is present in population databases (rs200199289, gnomAD 0.01%). This variant has not been reported in the literature in individuals affected with NLRP3-related conditions. ClinVar contains an entry for this variant (Variation ID: 1515141). Invitae Evidence Modeling of protein sequence and biophysical properties (such as structural, functional, and spatial information, amino acid conservation, physicochemical variation, residue mobility, and thermodynamic stability) indicates that this missense variant is not expected to disrupt NLRP3 protein function with a negative predictive value of 95%. In summary, the available evidence is currently insufficient to determine the role of this variant in disease. Therefore, it has been classified as a Variant of Uncertain Significance.

Revvity Omics, Revvity
Classification: Uncertain significance. Last evaluated: 2023-05-12. Review status: criteria provided, single submitter. Criteria: ACMG Guidelines, 2015. Collection method: clinical testing. Allele origin: germline.